The following is an entry in ClinVar:

ClinVar aggregate classification (germline): Uncertain significance (1 of 4 stars; one submission).

Conditions:
MHC class II deficiency. Also called: Bare lymphocyte syndrome 2; BLS, TYPE II. Identifiers: Orphanet 572, MedGen C5447452, MONDO:0008855.

Submission:

Labcorp Genetics (formerly Invitae), Labcorp
Classification: Uncertain significance for MHC class II deficiency. Last evaluated: 2018-06-23. Review status: criteria provided, single submitter. Criteria: Invitae Variant Classification Sherloc (09022015). Collection method: clinical testing. Allele origin: germline.
Comment: In summary, the available evidence is currently insufficient to determine the role of this variant in disease. Therefore, it has been classified as a Variant of Uncertain Significance. This variant has not been reported in the literature in individuals with RFX5-related disease. This variant is not present in population databases (ExAC no frequency). This sequence change results in a frameshift in the RFX5 gene (p.Ala613Glufs*18). While this is not anticipated to result in nonsense mediated decay, it is expected to disrupt the last 4 amino acids of the RFX5 protein and extend the protein by an additional 14 amino acids.

NM_001025603.2(RFX5):c.1838del (p.Ala613fs)

Gene: RFX5 (regulatory factor X5; minus strand). Cytogenetic location: 1q21.3.
Variant type: Deletion.
Coding change: c.1838del on transcript NM_001025603.2 (MANE Select); coding-DNA position 1838, one base deleted (C; older notation c.1838delC).
Protein change: p.Ala613fs; shifts the reading frame from alanine 613.
Molecular consequence: frameshift variant.
Genome position (GRCh38, 1-based): chr1:151,342,199, G deleted on the plus strand (C on the coding strand, the reverse complement: RFX5 is on the minus strand). VCF-style (leftmost placement, unchanged base first): chr1-151342198-TG-T. GRCh37 (hg19) VCF-style: chr1-151314674-TG-T.
Other names: c.1838del, p.Ala613fs (NM_000449.4, NM_001379412.1, NM_001379413.1 and 5 more transcripts); c.1718del, p.Ala573fs (NM_001379419.1, NM_001379420.1); c.1838delC (NM_000449.3); short protein forms A613fs, A573fs.
Identifiers: ClinVar variation 567382 (VCV000567382.8), dbSNP rs1557829420, ClinGen allele CA891842737.